The following is an entry in ClinVar:

ClinVar aggregate classification (germline): Uncertain significance (1 of 4 stars; one submission).

Conditions:
Congenital myasthenic syndrome 4C (CMS4C). Also called: Myasthenic syndrome, congenital, associated with acetylcholine receptor deficiency. Identifiers: Orphanet 590, MedGen C1837091, MONDO:0012157, OMIM 608931.

Submission:

Kariminejad - Najmabadi Pathology & Genetics Center
Classification: Uncertain significance for Congenital myasthenic syndrome 4C. Last evaluated: 2024-02-25. Review status: criteria provided, single submitter. Criteria: ACMG Guidelines, 2015. Collection method: clinical testing. Allele origin: germline. Inheritance: Autosomal recessive inheritance. Affected: yes.
Comment: PM5_Supporting,PP3_Moderate,PM2,PP2

NM_000080.4(CHRNE):c.973G>T (p.Val325Leu)

Gene: CHRNE (cholinergic receptor nicotinic epsilon subunit; minus strand). Cytogenetic location: 17p13.2.
Variant type: single nucleotide variant.
Coding change: c.973G>T on transcript NM_000080.4 (MANE Select); coding-DNA position 973, G replaced by T.
Protein change: p.Val325Leu; replaces valine 325 with leucine.
Molecular consequence: missense variant.
Genome position (GRCh38, 1-based): chr17:4,899,527, C>A on the plus strand (G>T on the coding strand, the complement: CHRNE is on the minus strand). VCF-style: chr17-4899527-C-A. GRCh37 (hg19) VCF-style: chr17-4802822-C-A.
Other names: short protein forms V325L.
Identifiers: ClinVar variation 3896807 (VCV003896807.1).
Genomic context (GRCh38, chr17:4,899,527, plus strand): 5'-CGTGGCGCAGCCGCGGGGACATGGCGTGGGTGGTGGGCGTCCGCTGGGACACGTTGAGCA[C>A]GATGACGCAATTCATGACAATGAGCGTGGCGACCACCATGACGAAAATAAGGAACCTGAG-3'
Protein context (NP_000071.1, residues 315-335): ATLIVMNCVI[Val325Leu]LNVSQRTPTT